The following is an entry in ClinVar:

ClinVar aggregate classification (germline): Likely pathogenic (1 of 4 stars; one submission).

Conditions:
Abetalipoproteinaemia (ABL). Also called: Abetalipoproteinemia; Abetalipoproteinemia neuropathy; Apolipoprotein B deficiency; Congenital betalipoprotein deficiency syndrome; MTP DEFICIENCY. Identifiers: Orphanet 14, MedGen C0000744, MONDO:0008692, OMIM 200100, HP:0008181.

Submission:

Myriad Genetics, Inc.
Classification: Likely pathogenic for Abetalipoproteinaemia. Last evaluated: 2022-03-30. Review status: criteria provided, single submitter. Criteria: Myriad Women's Health Autosomal Recessive and X-Linked Classification Criteria (2021). Collection method: clinical testing. Allele origin: unknown.
Comment: NM_000253.2(MTTP):c.957_963del7(N319Kfs*28) is expected to be pathogenic in the context of abetalipoproteinemia. This variant is predicted to lead to an abnormal or absent protein product due to the creation of a premature termination codon in MTTP, a gene where loss-of-function variants are known to be pathogenic. Please note: this variant was assessed in the context of healthy population screening.

NM_001386140.1(MTTP):c.957_963del (p.Asn319fs)

Gene: MTTP (microsomal triglyceride transfer protein; plus strand). Cytogenetic location: 4q23.
Variant type: Deletion.
Coding change: c.957_963del on transcript NM_001386140.1 (MANE Select); coding-DNA positions 957 to 963, 7 bases deleted (CCTTTCC; older notation c.957_963delCCTTTCC).
Protein change: p.Asn319fs; shifts the reading frame from asparagine 319.
Molecular consequence: frameshift variant.
Genome position (GRCh38, 1-based): chr4:99,597,114-99,597,120, CCTTTCC deleted. VCF-style (leftmost placement, unchanged base first): chr4-99597113-ACCTTTCC-A. GRCh37 (hg19) VCF-style: chr4-100518270-ACCTTTCC-A.
Other names: c.957_963del, p.Asn319fs (NM_000253.4); c.708_714del, p.Asn236fs (NM_001300785.2); short protein forms N236fs, N319fs.
Identifiers: ClinVar variation 1725645 (VCV001725645.2), dbSNP rs2476118133, ClinGen allele CA2580071907.